The following is an entry in ClinVar:

NM_004370.6(COL12A1):c.1724G>A (p.Gly575Asp)

Gene: COL12A1 (collagen type XII alpha 1 chain; minus strand). Cytogenetic location: 6q13.
Variant type: single nucleotide variant.
Coding change: c.1724G>A on transcript NM_004370.6 (MANE Select); coding-DNA position 1724, G replaced by A.
Protein change: p.Gly575Asp; replaces glycine 575 with aspartic acid.
Molecular consequence: missense variant. On other transcripts: intron variant (2).
Genome position (GRCh38, 1-based): chr6:75,183,217, C>T on the plus strand (G>A on the coding strand, the complement: COL12A1 is on the minus strand). VCF-style: chr6-75183217-C-T. GRCh37 (hg19) VCF-style: chr6-75892933-C-T.
Other names: c.1724G>A, p.Gly575Asp (NM_001424113.1, NM_001424114.1, NM_001424115.1); c.73+19503G>A (NM_001424116.1, NM_080645.3); short protein forms G575D.
Identifiers: ClinVar variation 3758217 (VCV003758217.2).

ClinVar aggregate classification (germline): Uncertain significance (1 of 4 stars; one submission).

Conditions:
Ullrich congenital muscular dystrophy 2 (UCMD2). Identifiers: Orphanet 75840, MedGen C4225314, MONDO:0014654, OMIM 616470.
Bethlem myopathy 2 (BTHLM2). Identifiers: Orphanet 536516, Orphanet 610, MedGen C4225313, MONDO:0034022, OMIM 616471.

Submission:

Labcorp Genetics (formerly Invitae), Labcorp
Classification: Uncertain significance for Bethlem myopathy 2; Ullrich congenital muscular dystrophy 2. Last evaluated: 2025-02-03. Review status: criteria provided, single submitter. Criteria: Invitae Variant Classification Sherloc (09022015). Collection method: clinical testing. Allele origin: germline.
Comment: This sequence change replaces glycine, which is neutral and non-polar, with aspartic acid, which is acidic and polar, at codon 575 of the COL12A1 protein (p.Gly575Asp). This variant is not present in population databases (gnomAD no frequency). This variant has not been reported in the literature in individuals affected with COL12A1-related conditions. Invitae Evidence Modeling of protein sequence and biophysical properties (such as structural, functional, and spatial information, amino acid conservation, physicochemical variation, residue mobility, and thermodynamic stability) has been performed for this missense variant. However, the output from this modeling did not meet the statistical confidence thresholds required to predict the impact of this variant on COL12A1 protein function. In summary, the available evidence is currently insufficient to determine the role of this variant in disease. Therefore, it has been classified as a Variant of Uncertain Significance.